The following is an entry in ClinVar:

ClinVar aggregate classification (germline): Uncertain significance (1 of 4 stars; one submission).

Conditions:
Cardiovascular phenotype. Identifiers: MedGen CN230736.

gnomAD v4.1: 2 of 1,609,740 alleles (0.00012%); highest among the groups gnomAD compares: Non-Finnish European, 0.00017%; no homozygotes.

Submission:

Ambry Genetics
Classification: Uncertain significance for Cardiovascular phenotype. Last evaluated: 2024-11-12. Review status: criteria provided, single submitter. Criteria: Ambry Variant Classification Scheme 2023. Collection method: clinical testing. Allele origin: germline.
Comment: The p.I952M variant (also known as c.2856A>G), located in coding exon 25 of the RYR2 gene, results from an A to G substitution at nucleotide position 2856. The isoleucine at codon 952 is replaced by methionine, an amino acid with highly similar properties. This amino acid position is well conserved in available vertebrate species. In addition, this alteration is predicted to be tolerated by in silico analysis. Based on the available evidence, the clinical significance of this variant remains unclear.

NM_001035.3(RYR2):c.2856A>G (p.Ile952Met)

Gene: RYR2 (ryanodine receptor 2; plus strand). Cytogenetic location: 1q43.
Variant type: single nucleotide variant.
Coding change: c.2856A>G on transcript NM_001035.3 (MANE Select); coding-DNA position 2856, A replaced by G.
Protein change: p.Ile952Met; replaces isoleucine 952 with methionine.
Molecular consequence: missense variant.
Genome position (GRCh38, 1-based): chr1:237,530,460, A>G. VCF-style: chr1-237530460-A-G. GRCh37 (hg19) VCF-style: chr1-237693760-A-G.
Other names: short protein forms I952M.
Identifiers: ClinVar variation 3436603 (VCV003436603.1).